The following is an entry in ClinVar:

NM_004304.5(ALK):c.1997C>T (p.Pro666Leu)

Gene: ALK (ALK receptor tyrosine kinase; minus strand). Cytogenetic location: 2p23.2.
Variant type: single nucleotide variant.
Coding change: c.1997C>T on transcript NM_004304.5 (MANE Select); coding-DNA position 1997, C replaced by T.
Protein change: p.Pro666Leu; replaces proline 666 with leucine.
Molecular consequence: missense variant.
Genome position (GRCh38, 1-based): chr2:29,275,143, G>A on the plus strand (C>T on the coding strand, the complement: ALK is on the minus strand). VCF-style: chr2-29275143-G-A. GRCh37 (hg19) VCF-style: chr2-29498009-G-A.
Other names: short protein forms P666L.
Identifiers: ClinVar variation 3223813 (VCV003223813.1), dbSNP rs138534542, ClinGen allele CA44665441.

ClinVar aggregate classification (germline): Uncertain significance (1 of 4 stars; one submission).

Conditions:
Hereditary cancer-predisposing syndrome. Also called: Tumor predisposition; Hereditary neoplastic syndrome; Hereditary Cancer Syndrome; Neoplastic Syndromes, Hereditary. Identifiers: Orphanet 140162, MedGen C0027672, MeSH D009386, MONDO:0015356.

Submission:

Ambry Genetics
Classification: Uncertain significance for Hereditary cancer-predisposing syndrome. Last evaluated: 2024-01-19. Review status: criteria provided, single submitter. Criteria: Ambry Variant Classification Scheme 2023. Collection method: clinical testing. Allele origin: germline.
Comment: The p.P666L variant (also known as c.1997C>T), located in coding exon 11 of the ALK gene, results from a C to T substitution at nucleotide position 1997. The proline at codon 666 is replaced by leucine, an amino acid with similar properties. This amino acid position is conserved. In addition, this alteration is predicted to be tolerated by in silico analysis. Based on the available evidence, the clinical significance of this alteration remains unclear.